The following is an entry in ClinVar:

ClinVar aggregate classification (germline): Benign. Review status: reviewed by expert panel (3 of 4 stars). 8 submissions from 8 submitters: Benign (1). 7 of the submissions do not count toward it. Last evaluated 2021-01-11.

Conditions:
RUNX1-related disorder. Also called: RUNX1-related condition.
Hereditary thrombocytopenia and hematologic cancer predisposition syndrome. Identifiers: Orphanet 71290, MedGen CN281654, MONDO:0011071.
Inborn genetic diseases. Identifiers: MedGen C0950123, MeSH D030342.
Hereditary cancer-predisposing syndrome. Also called: Tumor predisposition; Hereditary neoplastic syndrome; Neoplastic Syndromes, Hereditary; Hereditary Cancer Syndrome. Identifiers: Orphanet 140162, MedGen C0027672, MeSH D009386, MONDO:0015356.
Hereditary thrombocytopenia and hematological cancer predisposition syndrome associated with RUNX1. Also called: Familial Platelet Disorder with Propensity to Acute Myelogenous Leukemia; PLATELET DISORDER, ASPIRIN-LIKE; Familial thrombocytopenia with propensity to acute myelogenous leukemia; RUNX1 Familial Platelet Disorder with Associated Myeloid Malignancies. Identifiers: Orphanet 71290, MedGen C1832388, MeSH C563324, MONDO:0100083, OMIM 601399.

Allele frequency attached by ClinVar (database versions not stated): gnomAD 0.00003; ExAC 0.00004; gnomAD exomes 0.00004 and 0.00007; TOPMed 0.00009.
gnomAD v4.1: 60 of 1,601,916 alleles (0.0037%); highest among the groups gnomAD compares: Admixed American, 0.032%; no homozygotes.

Submissions (8):

ClinGen Myeloid Malignancy Variant Curation Expert Panel
Classification: Benign for Hereditary thrombocytopenia and hematologic cancer predisposition syndrome. Last evaluated: 2021-01-11. Review status: reviewed by expert panel. Criteria: ClinGen MyeloMalig ACMG Specifications v1. Collection method: curation. Allele origin: germline. Inheritance: Autosomal dominant inheritance.
Comment: The NM_001754.4:c.179C>T variant that results in the Ala60Val missense change has an MAF of 0.0002950 (0.02%, 10/33902 alleles) in the Latino subpopulation of the gnomAD v2.1.1 cohort, which is between 0.00015 (0.015%) and 0.0015 (0.15%) (BS1). Transactivation assays demonstrate normal transactivation (80-115% of wt) and data from a secondary EMSA demonstrate normal DNA binding (BS3; PMID: 23817177). The variant has not been reported in the germ line of patients with familial platelet disorder with predisposition to hematologic malignancies in the literature, to the best of our knowledge. In summary, this variant meets criteria to be classified as benign. ACMG/AMP criteria applied, as specified by the Myeloid Malignancy Variant Curation Expert Panel for RUNX1: BS1, BS3.

PreventionGenetics, part of Exact Sciences
Classification: Likely benign for RUNX1-related condition. Last evaluated: 2026-09-05. Review status: criteria provided, single submitter. Criteria: ACMG Guidelines, 2015. Collection method: clinical testing. Allele origin: germline. Not counted in ClinVar's aggregate classification.
Comment: This variant is classified as likely benign based on ACMG/AMP sequence variant interpretation guidelines (Richards et al. 2015 PMID: 25741868, with internal and published modifications).

Labcorp Genetics (formerly Invitae), Labcorp
Classification: Uncertain significance for Hereditary thrombocytopenia and hematological cancer predisposition syndrome associated with RUNX1. Last evaluated: 2025-12-13. Review status: criteria provided, single submitter. Criteria: Invitae Variant Classification Sherloc (09022015). Collection method: clinical testing. Allele origin: germline. Not counted in ClinVar's aggregate classification.
Comment: This sequence change replaces alanine, which is neutral and non-polar, with valine, which is neutral and non-polar, at codon 60 of the RUNX1 protein (p.Ala60Val). This variant is present in population databases (rs765314703, gnomAD 0.03%). This missense change has been observed in individual(s) with acute myeloid leukemia (PMID: 32315381). ClinVar contains an entry for this variant (Variation ID: 463986). An algorithm developed to predict the effect of missense changes on protein structure and function outputs the following: PolyPhen-2: "Benign". The valine amino acid residue is found in multiple mammalian species, which suggests that this missense change does not adversely affect protein function. Experimental studies have shown that this missense change affects RUNX1 function (PMID: 22012064, 23817177). In summary, the available evidence is currently insufficient to determine the role of this variant in disease. Therefore, it has been classified as a Variant of Uncertain Significance.

Ambry Genetics
Classification: Likely benign for Inborn genetic diseases. Last evaluated: 2024-08-20. Review status: criteria provided, single submitter. Criteria: Ambry Variant Classification Scheme 2023. Collection method: clinical testing. Allele origin: germline. Not counted in ClinVar's aggregate classification.

Blueprint Genetics
Classification: Likely benign. Last evaluated: 2024-07-02. Review status: criteria provided, single submitter. Criteria: ACMG Guidelines, 2015. Collection method: clinical testing. Allele origin: germline. Not counted in ClinVar's aggregate classification.

GeneDx
Classification: Uncertain significance. Last evaluated: 2023-04-04. Review status: criteria provided, single submitter. Criteria: GeneDx Variant Classification Process June 2021. Collection method: clinical testing. Allele origin: germline. Affected: yes. Not counted in ClinVar's aggregate classification.
Comment: In silico analysis supports that this missense variant does not alter protein structure/function; Observed in an individual with AML (Simon et al., 2020); Published functional studies are conflicting: one study demonstrated transcriptional activity compared to wildtype (Koh et al., 2013), while another demonstrated impaired binding with MLL compared to wildtype (Huang et al., 2011); This variant is associated with the following publications: (PMID: 33351114, 32315381, 23817177, 32855275, 22012064)

Sema4
Classification: Likely benign for Hereditary cancer-predisposing syndrome. Last evaluated: 2021-12-23. Review status: criteria provided, single submitter. Criteria: Sema4 Curation Guidelines. Collection method: curation. Allele origin: germline. Not counted in ClinVar's aggregate classification.

Genetic Services Laboratory, University of Chicago
Classification: Uncertain significance. Last evaluated: 2018-04-04. Review status: criteria provided, single submitter. Criteria: ACMG Guidelines, 2015. Collection method: clinical testing. Allele origin: germline. Affected: no. Not counted in ClinVar's aggregate classification.

Literature cited by the submitters: PubMed 23817177 (cited by ClinGen Myeloid Malignancy Variant Curation Expert Panel and Labcorp Genetics (formerly Invitae), Labcorp); PubMed 32315381 (cited by Labcorp Genetics (formerly Invitae), Labcorp); PubMed 22012064 (cited by Labcorp Genetics (formerly Invitae), Labcorp).

NM_001754.5(RUNX1):c.179C>T (p.Ala60Val)

Gene: RUNX1 (RUNX family transcription factor 1; minus strand). Cytogenetic location: 21q22.12.
Variant type: single nucleotide variant.
Coding change: c.179C>T on transcript NM_001754.5 (MANE Select); coding-DNA position 179, C replaced by T.
Protein change: p.Ala60Val; replaces alanine 60 with valine.
Molecular consequence: missense variant.
Genome position (GRCh38, 1-based): chr21:34,887,015, G>A on the plus strand (C>T on the coding strand, the complement: RUNX1 is on the minus strand). VCF-style: chr21-34887015-G-A. GRCh37 (hg19) VCF-style: chr21-36259312-G-A.
Other names: c.98C>T, p.Ala33Val (NM_001001890.3, NM_001122607.2); short protein forms A60V, A33V.
Identifiers: ClinVar variation 463986 (VCV000463986.19), dbSNP rs765314703, ClinGen allele CA10014576.
Genomic context (GRCh38, chr21:34,887,015, plus strand): 5'-TCCACCATGCTGCGGTCGCCGCTCCTCAGCTTGCCGGCCAGGGCAGCGCCGGCGTCCGGG[G>A]CGCCCAGCGGCAACGCCTCGCTCATCTTGCCTGGGCTCAGCGCGGTGGAAGGCGGCGTGA-3'
Protein context (NP_001745.2, residues 50-70): GKMSEALPLG[Ala60Val]PDAGAALAGK